The following is an entry in ClinVar:

ClinVar aggregate classification (germline): Conflicting classifications of pathogenicity. Review status: criteria provided, conflicting classifications (1 of 4 stars). 3 submissions from 3 submitters: Uncertain significance (1); Likely benign (2). Last evaluated 2026-02-14.

Conditions:
POT1-related disorder. Also called: POT1-related condition.
Tumor predisposition syndrome 3 (TPDS3). Also called: Glioma susceptibility 9; LONG TELOMERE SYNDROME, POT1-RELATED; POT1 Tumor Predisposition; Melanoma, cutaneous malignant, susceptibility to, 10. Identifiers: Orphanet 618, MedGen C4014476, MONDO:0014368, OMIM 615848.

Allele frequency attached by ClinVar (database versions not stated): gnomAD exomes below 0.00001; gnomAD 0.00002; TOPMed 0.00004.

Submissions (3):

PreventionGenetics, part of Exact Sciences
Classification: Uncertain significance for POT1-related condition. Last evaluated: 2026-02-14. Review status: criteria provided, single submitter. Criteria: ACMG Guidelines, 2015. Collection method: clinical testing. Allele origin: germline.
Comment: The POT1 c.1594+6C>T variant is predicted to interfere with splicing. To our knowledge, this variant has not been reported in the literature and is seen in one individual in gnomAD indicating it is rare. It is classified as likely benign in ClinVar (Variation ID: 654775). Although we suspect that this variant may be benign, at this time, the clinical significance of this variant is uncertain due to the absence of conclusive functional and genetic evidence.

Labcorp Genetics (formerly Invitae), Labcorp
Classification: Likely benign for Tumor predisposition syndrome 3. Last evaluated: 2025-12-11. Review status: criteria provided, single submitter. Criteria: Invitae Variant Classification Sherloc (09022015). Collection method: clinical testing. Allele origin: germline.

Quest Diagnostics Nichols Institute San Juan Capistrano
Classification: Likely benign. Last evaluated: 2025-07-03. Review status: criteria provided, single submitter. Criteria: Quest Diagnostics criteria. Collection method: clinical testing. Allele origin: unknown.

NM_015450.3(POT1):c.1594+6C>T

Gene: POT1 (protection of telomeres 1; minus strand). Cytogenetic location: 7q31.33.
Variant type: single nucleotide variant.
Coding change: c.1594+6C>T on transcript NM_015450.3 (MANE Select); 6 bases into the intron after coding-DNA position 1594, C replaced by T.
Molecular consequence: intron variant.
Genome position (GRCh38, 1-based): chr7:124,829,248, G>A on the plus strand (C>T on the coding strand, the complement: POT1 is on the minus strand). VCF-style: chr7-124829248-G-A. GRCh37 (hg19) VCF-style: chr7-124469302-G-A.
Other names: c.1201+6C>T (NM_001042594.2).
Identifiers: ClinVar variation 654775 (VCV000654775.13), dbSNP rs1354299889, ClinGen allele CA577286999.
Genomic context (GRCh38, chr7:124,829,248, plus strand): 5'-TATAAGTAGGTGAAATAACCTTGTAAACAAACAGTTAAAATTGCAGGGCATGGAAATTTA[G>A]CTAACCTTCTGCCACAGAAGAAGGAATCCACGATGTTTTATCAACCAGGGAATTTAGATT-3'